The following is an entry in ClinVar:

NM_001972.4(ELANE):c.597+4C>T

Gene: ELANE (elastase, neutrophil expressed; plus strand). Cytogenetic location: 19p13.3.
Variant type: single nucleotide variant.
Coding change: c.597+4C>T on transcript NM_001972.4 (MANE Select); 4 bases into the intron after coding-DNA position 597, C replaced by T.
Molecular consequence: intron variant.
Genome position (GRCh38, 1-based): chr19:855,798, C>T. VCF-style: chr19-855798-C-T. GRCh37 (hg19) VCF-style: chr19-855798-C-T.
Identifiers: ClinVar variation 2923710 (VCV002923710.4), dbSNP rs1451132731, ClinGen allele CA631295229.

ClinVar aggregate classification (germline): Uncertain significance. Review status: criteria provided, multiple submitters, no conflicts (2 of 4 stars). 2 submissions from 2 submitters: Uncertain significance (2). Last evaluated 2024-08-01.

Conditions:
Neutropenia, severe congenital, 1, autosomal dominant. Identifiers: MedGen C1859966, MONDO:0042490, OMIM 202700.
Cyclical neutropenia. Also called: Cyclic Neutropenia; Cyclic hematopoiesis. Identifiers: Orphanet 2686, MedGen C0221023, MONDO:0008090, OMIM 162800, HP:0040289. Disease mechanism: loss of function.

Allele frequency attached by ClinVar (database versions not stated): gnomAD 0.00001.
gnomAD v4.1: 4 of 1,608,220 alleles (0.00025%); highest among the groups gnomAD compares: Admixed American, 0.0017%; no homozygotes.

Submissions (2):

Labcorp Genetics (formerly Invitae), Labcorp
Classification: Uncertain significance for Neutropenia, severe congenital, 1, autosomal dominant; Cyclical neutropenia. Last evaluated: 2024-08-01. Review status: criteria provided, single submitter. Criteria: Invitae Variant Classification Sherloc (09022015). Collection method: clinical testing. Allele origin: germline.
Comment: This sequence change falls in intron 4 of the ELANE gene. It does not directly change the encoded amino acid sequence of the ELANE protein. It affects a nucleotide within the consensus splice site. This variant is not present in population databases (gnomAD no frequency). This variant has not been reported in the literature in individuals affected with ELANE-related conditions. Variants that disrupt the consensus splice site are a relatively common cause of aberrant splicing (PMID: 17576681, 9536098). Algorithms developed to predict the effect of sequence changes on RNA splicing suggest that this variant is not likely to affect RNA splicing. In summary, the available evidence is currently insufficient to determine the role of this variant in disease. Therefore, it has been classified as a Variant of Uncertain Significance.

Blueprint Genetics
Classification: Uncertain significance. Last evaluated: 2018-03-15. Review status: criteria provided, single submitter. Criteria: ACMG Guidelines, 2015. Collection method: clinical testing. Allele origin: germline.

Literature cited by the submitters: PubMed 17576681 (cited by Labcorp Genetics (formerly Invitae), Labcorp); PubMed 9536098 (cited by Labcorp Genetics (formerly Invitae), Labcorp).